The following is an entry in ClinVar:

NM_003742.4(ABCB11):c.3787A>T (p.Lys1263Ter)

Gene: ABCB11 (ATP binding cassette subfamily B member 11; minus strand). Cytogenetic location: 2q31.1.
Variant type: single nucleotide variant.
Coding change: c.3787A>T on transcript NM_003742.4 (MANE Select); coding-DNA position 3787, A replaced by T.
Protein change: p.Lys1263Ter; replaces lysine 1263 with a stop codon.
Molecular consequence: nonsense.
Genome position (GRCh38, 1-based): chr2:168,923,801, T>A on the plus strand (A>T on the coding strand, the complement: ABCB11 is on the minus strand). VCF-style: chr2-168923801-T-A. GRCh37 (hg19) VCF-style: chr2-169780311-T-A.
Other names: short protein forms K1263*.
Identifiers: ClinVar variation 2130481 (VCV002130481.4), dbSNP rs972055625, ClinGen allele CA349117388.

ClinVar aggregate classification (germline): Pathogenic (1 of 4 stars; one submission).

Submission:

Labcorp Genetics (formerly Invitae), Labcorp
Classification: Pathogenic. Last evaluated: 2022-04-25. Review status: criteria provided, single submitter. Criteria: Invitae Variant Classification Sherloc (09022015). Collection method: clinical testing. Allele origin: germline.
Comment: This sequence change creates a premature translational stop signal (p.Lys1263*) in the ABCB11 gene. While this is not anticipated to result in nonsense mediated decay, it is expected to disrupt the last 59 amino acid(s) of the ABCB11 protein. This variant is not present in population databases (gnomAD no frequency). This variant has not been reported in the literature in individuals affected with ABCB11-related conditions. This variant disrupts a region of the ABCB11 protein in which other variant(s) (p.Glu1302*) have been determined to be pathogenic (PMID: 18395098, 31015375). This suggests that this is a clinically significant region of the protein, and that variants that disrupt it are likely to be disease-causing. For these reasons, this variant has been classified as Pathogenic.

Literature cited by the submitters: PubMed 18395098; PubMed 31015375.